The following is an entry in ClinVar:

ClinVar aggregate classification (germline): Uncertain significance. Review status: criteria provided, multiple submitters, no conflicts (2 of 4 stars). 3 submissions from 3 submitters: Uncertain significance (3). Last evaluated 2024-12-11.

Allele frequency attached by ClinVar (database versions not stated): ExAC 0.00001; gnomAD 0.00001 and 0.00002; gnomAD exomes 0.00001; TOPMed 0.00001.
gnomAD v4.1: 23 of 1,613,814 alleles (0.0014%); highest among the groups gnomAD compares: Non-Finnish European, 0.0019%; no homozygotes.

Submissions (3):

Ambry Genetics
Classification: Uncertain significance. Last evaluated: 2024-12-11. Review status: criteria provided, single submitter. Criteria: Ambry Variant Classification Scheme 2023. Collection method: clinical testing. Allele origin: germline.

GeneDx
Classification: Uncertain significance. Last evaluated: 2024-05-28. Review status: criteria provided, single submitter. Criteria: GeneDx Variant Classification Process June 2021. Collection method: clinical testing. Allele origin: germline. Affected: yes.
Comment: Not observed at significant frequency in large population cohorts (gnomAD); In silico analysis supports that this missense variant has a deleterious effect on protein structure/function; Has not been previously published as pathogenic or benign to our knowledge

Labcorp Genetics (formerly Invitae), Labcorp
Classification: Uncertain significance. Last evaluated: 2022-04-05. Review status: criteria provided, single submitter. Criteria: Invitae Variant Classification Sherloc (09022015). Collection method: clinical testing. Allele origin: germline.
Comment: This sequence change replaces phenylalanine, which is neutral and non-polar, with leucine, which is neutral and non-polar, at codon 1871 of the SBF1 protein (p.Phe1871Leu). This variant is present in population databases (rs764019726, gnomAD 0.003%). This variant has not been reported in the literature in individuals affected with SBF1-related conditions. Algorithms developed to predict the effect of missense changes on protein structure and function are either unavailable or do not agree on the potential impact of this missense change (SIFT: "Tolerated"; PolyPhen-2: "Possibly Damaging"; Align-GVGD: "Class C0"). In summary, the available evidence is currently insufficient to determine the role of this variant in disease. Therefore, it has been classified as a Variant of Uncertain Significance.

NM_002972.4(SBF1):c.5611T>C (p.Phe1871Leu)

Gene: SBF1 (SET binding factor 1; minus strand). Cytogenetic location: 22q13.33.
Variant type: single nucleotide variant.
Coding change: c.5611T>C on transcript NM_002972.4 (MANE Select); coding-DNA position 5611, T replaced by C.
Protein change: p.Phe1871Leu; replaces phenylalanine 1871 with leucine.
Molecular consequence: missense variant.
Genome position (GRCh38, 1-based): chr22:50,447,213, A>G on the plus strand (T>C on the coding strand, the complement: SBF1 is on the minus strand). VCF-style: chr22-50447213-A-G. GRCh37 (hg19) VCF-style: chr22-50885642-A-G.
Other names: c.5536T>C, p.Phe1846Leu (NM_001365819.1); c.5611T>C (NM_002972.2); short protein forms F1846L, F1871L.
Identifiers: ClinVar variation 1473980 (VCV001473980.7), dbSNP rs764019726, ClinGen allele CA10315746.